The following is an entry in ClinVar:

ClinVar aggregate classification (germline): Likely benign. Review status: criteria provided, multiple submitters, no conflicts (2 of 4 stars). 2 submissions from 2 submitters: Likely benign (2). Last evaluated 2025-10-19.

Conditions:
Hereditary cancer-predisposing syndrome. Also called: Hereditary neoplastic syndrome; Hereditary Cancer Syndrome; Neoplastic Syndromes, Hereditary; Tumor predisposition. Identifiers: Orphanet 140162, MedGen C0027672, MeSH D009386, MONDO:0015356.

Submissions (2):

Ambry Genetics
Classification: Likely benign for Hereditary cancer-predisposing syndrome. Last evaluated: 2025-10-19. Review status: criteria provided, single submitter. Criteria: Ambry Variant Classification Scheme 2023. Collection method: clinical testing. Allele origin: germline.

GeneDx
Classification: Likely benign. Last evaluated: 2017-08-08. Review status: criteria provided, single submitter. Criteria: GeneDx Variant Classification (06012015). Collection method: clinical testing. Allele origin: germline. Affected: yes.
Comment: This variant is considered likely benign or benign based on one or more of the following criteria: it is a conservative change, it occurs at a poorly conserved position in the protein, it is predicted to be benign by multiple in silico algorithms, and/or has population frequency not consistent with disease.

NM_006231.4(POLE):c.4353G>C (p.Leu1451=)

Gene: POLE (DNA polymerase epsilon, catalytic subunit; minus strand). Cytogenetic location: 12q24.33.
Variant type: single nucleotide variant.
Coding change: c.4353G>C on transcript NM_006231.4 (MANE Select); coding-DNA position 4353, G replaced by C.
Protein change: p.Leu1451=; no amino-acid change (leucine 1451 retained).
Molecular consequence: synonymous variant.
Genome position (GRCh38, 1-based): chr12:132,643,498, C>G on the plus strand (G>C on the coding strand, the complement: POLE is on the minus strand). VCF-style: chr12-132643498-C-G. GRCh37 (hg19) VCF-style: chr12-133220084-C-G.
Identifiers: ClinVar variation 511405 (VCV000511405.2), dbSNP rs769149466, ClinGen allele CA482849387.